The following is an entry in ClinVar:

ClinVar aggregate classification (germline): Uncertain significance. Review status: criteria provided, multiple submitters, no conflicts (2 of 4 stars). 2 submissions from 2 submitters: Uncertain significance (2). Last evaluated 2022-04-29.

Allele frequency attached by ClinVar (database versions not stated): gnomAD 0.00006 and 0.00011; ESP Exome Variant Server 0.00008; TOPMed 0.00008; ExAC 0.00010; gnomAD exomes 0.00010 and 0.00019; 1000 Genomes Project 0.00040; 1000 Genomes Project 30x 0.00047.
gnomAD v4.1: 288 of 1,613,936 alleles (0.018%); highest among the groups gnomAD compares: East Asian, 0.48%; 5 homozygotes.

Submissions (2):

Labcorp Genetics (formerly Invitae), Labcorp
Classification: Uncertain significance. Last evaluated: 2022-04-29. Review status: criteria provided, single submitter. Criteria: Invitae Variant Classification Sherloc (09022015). Collection method: clinical testing. Allele origin: germline.
Comment: This sequence change replaces arginine, which is basic and polar, with cysteine, which is neutral and slightly polar, at codon 225 of the GIPC3 protein (p.Arg225Cys). This variant is present in population databases (rs201875016, gnomAD 0.09%). This variant has not been reported in the literature in individuals affected with GIPC3-related conditions. ClinVar contains an entry for this variant (Variation ID: 502105). Algorithms developed to predict the effect of missense changes on protein structure and function (SIFT, PolyPhen-2, Align-GVGD) all suggest that this variant is likely to be disruptive. In summary, the available evidence is currently insufficient to determine the role of this variant in disease. Therefore, it has been classified as a Variant of Uncertain Significance.

Eurofins Ntd Llc (ga)
Classification: Uncertain significance. Last evaluated: 2017-05-26. Review status: criteria provided, single submitter. Criteria: EGL Classification Definitions 2015. Collection method: clinical testing. Allele origin: germline. Observed: 1 variant allele, 1 heterozygote.

NM_133261.3(GIPC3):c.673C>T (p.Arg225Cys)

Gene: GIPC3 (GIPC PDZ domain containing family member 3; plus strand). Cytogenetic location: 19p13.3.
Variant type: single nucleotide variant.
Coding change: c.673C>T on transcript NM_133261.3 (MANE Select); coding-DNA position 673, C replaced by T.
Protein change: p.Arg225Cys; replaces arginine 225 with cysteine.
Molecular consequence: missense variant.
Genome position (GRCh38, 1-based): chr19:3,589,523, C>T. VCF-style: chr19-3589523-C-T. GRCh37 (hg19) VCF-style: chr19-3589521-C-T.
Other names: short protein forms R225C.
Identifiers: ClinVar variation 502105 (VCV000502105.6), dbSNP rs201875016, ClinGen allele CA9080485.